The following is an entry in ClinVar:

NM_020401.4(NUP107):c.203G>A (p.Arg68Gln)

Gene: NUP107 (nucleoporin 107; plus strand). Cytogenetic location: 12q15.
Variant type: single nucleotide variant.
Coding change: c.203G>A on transcript NM_020401.4 (MANE Select); coding-DNA position 203, G replaced by A.
Protein change: p.Arg68Gln; replaces arginine 68 with glutamine.
Molecular consequence: missense variant.
Genome position (GRCh38, 1-based): chr12:68,690,646, G>A. VCF-style: chr12-68690646-G-A. GRCh37 (hg19) VCF-style: chr12-69084426-G-A.
Other names: c.116G>A, p.Arg39Gln (NM_001330192.2); c.203G>A (NM_020401.2); short protein forms R68Q, R39Q.
Identifiers: ClinVar variation 1905086 (VCV001905086.4), dbSNP rs551358105, ClinGen allele CA6677354.

ClinVar aggregate classification (germline): Uncertain significance. Review status: criteria provided, multiple submitters, no conflicts (2 of 4 stars). 2 submissions from 2 submitters: Uncertain significance (2). Last evaluated 2023-12-09.

Conditions:
Inborn genetic diseases. Identifiers: MedGen C0950123, MeSH D030342.

Allele frequency attached by ClinVar (database versions not stated): gnomAD exomes 0.00001; ExAC 0.00002; TOPMed 0.00002; gnomAD 0.00005; 1000 Genomes Project 30x 0.00016; 1000 Genomes Project 0.00020.
gnomAD v4.1: 29 of 1,614,114 alleles (0.0018%); highest among the groups gnomAD compares: Middle Eastern, 0.033%; 1 homozygote.

Submissions (2):

Ambry Genetics
Classification: Uncertain significance for Inborn genetic diseases. Last evaluated: 2023-12-09. Review status: criteria provided, single submitter. Criteria: Ambry Variant Classification Scheme 2023. Collection method: clinical testing. Allele origin: germline.

Labcorp Genetics (formerly Invitae), Labcorp
Classification: Uncertain significance. Last evaluated: 2022-03-04. Review status: criteria provided, single submitter. Criteria: Invitae Variant Classification Sherloc (09022015). Collection method: clinical testing. Allele origin: germline.
Comment: In summary, the available evidence is currently insufficient to determine the role of this variant in disease. Therefore, it has been classified as a Variant of Uncertain Significance. Algorithms developed to predict the effect of missense changes on protein structure and function are either unavailable or do not agree on the potential impact of this missense change (SIFT: "Not Available"; PolyPhen-2: "Possibly Damaging"; Align-GVGD: "Not Available"). This variant has not been reported in the literature in individuals affected with NUP107-related conditions. This variant is present in population databases (rs551358105, gnomAD 0.006%). This sequence change replaces arginine, which is basic and polar, with glutamine, which is neutral and polar, at codon 68 of the NUP107 protein (p.Arg68Gln).